The following is an entry in ClinVar:

ClinVar aggregate classification (germline): Pathogenic (1 of 4 stars; one submission).

Conditions:
Ehlers-Danlos syndrome, dermatosparaxis type. Also called: EDS VIIC; Dermatosparaxis; Ehlers-Danlos syndrome, type VII, autosomal recessive. Identifiers: Orphanet 1901, MedGen C2700425, MONDO:0009161, OMIM 225410.

Submission:

Myriad Genetics, Inc.
Classification: Pathogenic for Ehlers-Danlos syndrome, dermatosparaxis type. Last evaluated: 2024-05-14. Review status: criteria provided, single submitter. Criteria: Myriad Autosomal Dominant, Autosomal Recessive and X-Linked Classification Criteria (2023). Collection method: clinical testing. Allele origin: unknown.
Comment: NM_014244.4(ADAMTS2):c.88_89ins7(P30Rfs*38) is expected to be pathogenic in the context of Ehlers-Danlos syndrome, ADAMTS2-related. This variant is predicted to lead to an abnormal or absent protein product due to the creation of a premature termination codon in ADAMTS2, a gene where loss-of-function variants are known to be pathogenic. Please note: this variant was assessed in the context of healthy population screening.

NM_014244.5(ADAMTS2):c.88_89insGTCGGTG (p.Pro30fs)

Gene: ADAMTS2 (ADAM metallopeptidase with thrombospondin type 1 motif 2; minus strand). Cytogenetic location: 5q35.3.
Variant type: Insertion.
Coding change: c.88_89insGTCGGTG on transcript NM_014244.5 (MANE Select); coding-DNA positions 88 to 89, GTCGGTG inserted.
Protein change: p.Pro30fs; shifts the reading frame from proline 30.
Molecular consequence: frameshift variant.
Genome position: GRCh38 VCF-style: chr5-179345240-G-GCACCGAC. GRCh37 (hg19) VCF-style: chr5-178772241-G-GCACCGAC.
Other names: c.88_89insGTCGGTG, p.Pro30fs (NM_021599.4); short protein forms P30fs.
Identifiers: ClinVar variation 5010687 (VCV005010687.1).